The following is an entry in ClinVar:

ClinVar aggregate classification (germline): Uncertain significance (1 of 4 stars; one submission).

Conditions:
Retinitis pigmentosa 73 (RP73). Identifiers: Orphanet 791, MedGen C4225287, MONDO:0014687, OMIM 616544.
Mucopolysaccharidosis, MPS-III-C (MPS3C). Also called: MPS IIIC (Sanfilippo Syndrome Type C); MUCOPOLYSACCHARIDOSIS, TYPE IIIC; Mucopolysaccharidosis type IIIC (Sanfilippo C); SANFILIPPO SYNDROME C; MPS III C; mucopolysaccharidosis type 3C. Identifiers: Orphanet 581, Orphanet 79271, MedGen C0086649, MONDO:0009657, OMIM 252930.

Submission:

Labcorp Genetics (formerly Invitae), Labcorp
Classification: Uncertain significance for Retinitis pigmentosa 73; Mucopolysaccharidosis, MPS-III-C. Last evaluated: 2022-09-27. Review status: criteria provided, single submitter. Criteria: Invitae Variant Classification Sherloc (09022015). Collection method: clinical testing. Allele origin: germline.
Comment: This variant results in a copy number gain of the genomic region encompassing exon(s) 10-18 of the HGSNAT gene. This region includes the termination codon of the gene. This copy number gain extends beyond the assayed region for this gene and therefore may encompass additional genes. As the precise location of this event is unknown, it may be in tandem or it may be located elsewhere in the genome. This variant has not been reported in the literature in individuals affected with HGSNAT-related conditions. In summary, the available evidence is currently insufficient to determine the role of this variant in disease. Therefore, it has been classified as a Variant of Uncertain Significance.

NC_000008.10:g.(?_43033197)_(43054712_?)dup

Gene: HGSNAT (heparan-alpha-glucosaminide N-acetyltransferase; plus strand). Cytogenetic location: 8p11.21.
Variant type: Duplication.
Identifiers: ClinVar variation 1376923 (VCV001376923.4).